The following is an entry in ClinVar:

ClinVar aggregate classification (germline): Benign. Review status: criteria provided, multiple submitters, no conflicts (2 of 4 stars). 2 submissions from 2 submitters: Benign (2). Last evaluated 2018-06-18.

Allele frequency attached by ClinVar (database versions not stated): 1000 Genomes Project 0.29792; 1000 Genomes Project 30x 0.30434; gnomAD 0.41963 and 0.42124.
gnomAD v4.1: 63,847 of 152,038 alleles (42%); highest among the groups gnomAD compares: Non-Finnish European, 54%; 15,287 homozygotes.

Submissions (2):

GeneDx
Classification: Benign. Last evaluated: 2018-06-18. Review status: criteria provided, single submitter. Criteria: GeneDx Variant Classification (06012015). Collection method: clinical testing. Allele origin: germline. Affected: yes.
Comment: This variant is considered likely benign or benign based on one or more of the following criteria: it is a conservative change, it occurs at a poorly conserved position in the protein, it is predicted to be benign by multiple in silico algorithms, and/or has population frequency not consistent with disease.

Breakthrough Genomics
Classification: Benign. Review status: criteria provided, single submitter. Criteria: ACMG Guidelines, 2015. Collection method: not provided. Allele origin: germline. Inheritance: Autosomal recessive inheritance. Affected: yes.

NM_002860.4(ALDH18A1):c.1923+299A>T

Genes: ALDH18A1 (aldehyde dehydrogenase 18 family member A1; minus strand), LOC121815958 (Sharpr-MPRA regulatory region 3716; plus strand). Cytogenetic location: 10q24.1.
Variant type: single nucleotide variant.
Coding change: c.1923+299A>T on transcript NM_002860.4 (MANE Select); 299 bases into the intron after coding-DNA position 1923, A replaced by T.
Molecular consequence: intron variant.
Genome position (GRCh38, 1-based): chr10:95,613,443, T>A on the plus strand (A>T on the coding strand, the complement: ALDH18A1 is on the minus strand). VCF-style: chr10-95613443-T-A. GRCh37 (hg19) VCF-style: chr10-97373200-T-A.
Other names: c.1287+299A>T (NM_001323419.2); c.1590+299A>T (NM_001323412.2, NM_001323416.2); c.1818+299A>T (NM_001323417.2); c.1917+299A>T (NM_001017423.2, NM_001323415.2); c.1584+299A>T (NM_001323418.2); c.1923+299A>T (NM_001323413.2, NM_001323414.2).
Identifiers: ClinVar variation 683038 (VCV000683038.2), dbSNP rs61871788, ClinGen allele CA211788614.